The following is an entry in ClinVar:

ClinVar aggregate classification (germline): Benign. Review status: criteria provided, multiple submitters, no conflicts (2 of 4 stars). 2 submissions from 2 submitters: Benign (2). Last evaluated 2025-06-16.

Conditions:
Fanconi-Bickel syndrome (FBS). Also called: Glycogen storage disease due to GLUT2 deficiency; PSEUDO-PHLORIZIN DIABETES; FANCONI SYNDROME WITH INTESTINAL MALABSORPTION AND GALACTOSE INTOLERANCE; HEPATIC GLYCOGENOSIS WITH AMINO ACIDURIA AND GLUCOSURIA; HEPATIC GLYCOGENOSIS WITH FANCONI NEPHROPATHY; HEPATORENAL GLYCOGENOSIS WITH RENAL FANCONI SYNDROME. Identifiers: Orphanet 2088, MedGen C3495427, MONDO:0009216, OMIM 227810.

Allele frequency attached by ClinVar (database versions not stated): gnomAD 0.14716 and 0.15011; 1000 Genomes Project 0.14776; TOPMed 0.15150; 1000 Genomes Project 30x 0.15568.

Submissions (2):

Labcorp Genetics (formerly Invitae), Labcorp
Classification: Benign for Fanconi-Bickel syndrome. Last evaluated: 2025-06-16. Review status: criteria provided, single submitter. Criteria: Invitae Variant Classification Sherloc (09022015). Collection method: clinical testing. Allele origin: germline.

GeneDx
Classification: Benign. Last evaluated: 2018-06-23. Review status: criteria provided, single submitter. Criteria: GeneDx Variant Classification Process June 2021. Collection method: clinical testing. Allele origin: germline. Affected: yes.
Comment: This variant is associated with the following publications: (PMID: 15983230)

NC_000003.12:g.171027104G>A

Gene: SLC2A2 (solute carrier family 2 member 2; minus strand). Cytogenetic location: 3q26.2.
Variant type: single nucleotide variant.
Genome position: GRCh38 VCF-style: chr3-171027104-G-A. GRCh37 (hg19) VCF-style: chr3-170744893-G-A.
Identifiers: ClinVar variation 1170125 (VCV001170125.10), dbSNP rs5394, ClinGen allele CA11427845.
Genomic context (GRCh38, chr3:171,027,104, plus strand): 5'-TTGGAGTCTTTTGTAGAAGATGAGATATGCTGAGCTGCCGTGCTGTGCTGTGGAGCATGG[G>A]AGGCACACTGCACTCTGCTCCACAGATAATTAGTGCTGTGGTGTTTCTGTTTAGAGCTGA-3'